The following is an entry in ClinVar:

ClinVar aggregate classification (germline): Benign/Likely benign. Review status: criteria provided, multiple submitters, no conflicts (2 of 4 stars). 3 submissions from 3 submitters: Benign (1); Likely benign (2). Last evaluated 2026-01-26.

Allele frequency attached by ClinVar (database versions not stated): gnomAD exomes 0.00287; ExAC 0.00369; gnomAD 0.01145 and 0.01219; ESP Exome Variant Server 0.01203; TOPMed 0.01256; 1000 Genomes Project 30x 0.01452; 1000 Genomes Project 0.01458.
gnomAD v4.1: 3,503 of 1,589,112 alleles (0.22%); highest among the groups gnomAD compares: African/African-American, 4%; 60 homozygotes.

Submissions (3):

Labcorp Genetics (formerly Invitae), Labcorp
Classification: Benign. Last evaluated: 2026-01-26. Review status: criteria provided, single submitter. Criteria: Invitae Variant Classification Sherloc (09022015). Collection method: clinical testing. Allele origin: germline.

GeneDx
Classification: Likely benign. Last evaluated: 2021-12-03. Review status: criteria provided, single submitter. Criteria: GeneDx Variant Classification Process June 2021. Collection method: clinical testing. Allele origin: germline. Affected: yes.
Comment: See Variant Classification Assertion Criteria.

Breakthrough Genomics
Classification: Likely benign. Review status: criteria provided, single submitter. Criteria: ACMG Guidelines, 2015. Collection method: not provided. Allele origin: germline. Inheritance: Autosomal dominant inheritance. Affected: yes.

NM_173500.4(TTBK2):c.603+17G>C

Gene: TTBK2 (tau tubulin kinase 2; minus strand). Cytogenetic location: 15q15.2.
Variant type: single nucleotide variant.
Coding change: c.603+17G>C on transcript NM_173500.4 (MANE Select); 17 bases into the intron after coding-DNA position 603, G replaced by C.
Molecular consequence: intron variant.
Genome position (GRCh38, 1-based): chr15:42,817,015, C>G on the plus strand (G>C on the coding strand, the complement: TTBK2 is on the minus strand). VCF-style: chr15-42817015-C-G. GRCh37 (hg19) VCF-style: chr15-43109213-C-G.
Identifiers: ClinVar variation 1691173 (VCV001691173.8), dbSNP rs115190236, ClinGen allele CA7517429.
Genomic context (GRCh38, chr15:42,817,015, plus strand): 5'-ATAAAATAAAAAAGAAGTCAATCTGATTTAAGCTATTAGCATACTTATACAGATATGACT[C>G]TAGTTCAGATACCTACCCTGTTCCGATGTGCGTTGATTGATGCATAACGAACTGTCCCTC-3'